The following is an entry in ClinVar:

ClinVar aggregate classification (germline): Likely benign (1 of 4 stars; one submission).

Allele frequency attached by ClinVar (database versions not stated): gnomAD exomes below 0.00001.
gnomAD v4.1: 1 of 1,609,076 alleles (0.000062%); highest among the groups gnomAD compares: Non-Finnish European, 0.000085%; no homozygotes.

Submission:

CeGaT Center for Human Genetics Tuebingen
Classification: Likely benign. Last evaluated: 2023-08-01. Review status: criteria provided, single submitter. Criteria: CeGaT Center For Human Genetics Tuebingen Variant Classification Criteria Version 2. Collection method: clinical testing. Allele origin: germline. Affected: yes. Observed: 1 variant allele.
Comment: CTC1: PM2:Supporting, BP4, BP7

NM_025099.6(CTC1):c.2607A>G (p.Gln869=)

Gene: CTC1 (CST telomere replication complex component 1; minus strand). Cytogenetic location: 17p13.1.
Variant type: single nucleotide variant.
Coding change: c.2607A>G on transcript NM_025099.6 (MANE Select); coding-DNA position 2607, A replaced by G.
Protein change: p.Gln869=; no amino-acid change (glutamine 869 retained).
Molecular consequence: synonymous variant. On other transcripts: non-coding transcript variant (1).
Genome position (GRCh38, 1-based): chr17:8,231,338, T>C on the plus strand (A>G on the coding strand, the complement: CTC1 is on the minus strand). VCF-style: chr17-8231338-T-C. GRCh37 (hg19) VCF-style: chr17-8134656-T-C.
Other names: c.2607A>G, p.Gln869= (NM_001411067.1).
Identifiers: ClinVar variation 2582954 (VCV002582954.25), dbSNP rs2507890056, ClinGen allele CA497958785.